The following is an entry in ClinVar:

NM_000441.2(SLC26A4):c.371_374del (p.Ile124fs)

Gene: SLC26A4 (solute carrier family 26 member 4; plus strand). Cytogenetic location: 7q22.3.
Variant type: Deletion.
Coding change: c.371_374del on transcript NM_000441.2 (MANE Select); coding-DNA positions 371 to 374, 4 bases deleted (TCCT; older notation c.371_374delTCCT).
Protein change: p.Ile124fs; shifts the reading frame from isoleucine 124.
Molecular consequence: frameshift variant.
Genome position (GRCh38, 1-based): chr7:107,672,204-107,672,207, TCCT deleted. VCF-style (leftmost placement, unchanged base first): chr7-107672203-ATCCT-A. GRCh37 (hg19) VCF-style: chr7-107312648-ATCCT-A.
Other names: short protein forms I124fs.
Identifiers: ClinVar variation 5013411 (VCV005013411.1).
Genomic context (GRCh38, chr7:107,672,203, plus strand): 5'-GCATATGCCCTACTAGCTGCAGTTCCTGTCGGATATGGTCTCTACTCTGCTTTTTTCCCT[ATCCT>A]GACATACTTTATCTTTGGAACATCAAGACATATCTCAGTTGGTAATTATAAGTATATTTT-3'

ClinVar aggregate classification (germline): Pathogenic (1 of 4 stars; one submission).

Conditions:
Pendred syndrome (PDS). Also called: Pendred Syndrome (PDS); DEAFNESS WITH GOITER; GOITER-DEAFNESS SYNDROME; HYPOTHYROIDISM, CONGENITAL, DUE TO DYSHORMONOGENESIS, 2B; THYROID DYSHORMONOGENESIS 2B; THYROID HORMONOGENESIS, GENETIC DEFECT IN, 2B. Identifiers: Orphanet 705, MedGen C0271829, MONDO:0010134, OMIM 274600.

Submission:

Myriad Genetics, Inc.
Classification: Pathogenic for Pendred syndrome. Last evaluated: 2024-08-03. Review status: criteria provided, single submitter. Criteria: Myriad Autosomal Dominant, Autosomal Recessive and X-Linked Classification Criteria (2023). Collection method: clinical testing. Allele origin: unknown.
Comment: NM_000441.1(SLC26A4):c.371_374delTCCT(I124Rfs*20) is expected to be pathogenic in the context of Pendred syndrome. This variant is predicted to lead to an abnormal or absent protein product due to the creation of a premature termination codon in SLC26A4, a gene where loss-of-function variants are known to be pathogenic. Please note: this variant was assessed in the context of healthy population screening.